The following is an entry in ClinVar:

ClinVar aggregate classification (germline): Uncertain significance. Review status: criteria provided, single submitter (1 of 4 stars). 2 submissions from 2 submitters: Uncertain significance (1). 1 of the submissions does not count toward it. Last evaluated 2022-08-23.

Conditions:
EBV-positive nodal T- and NK-cell lymphoma.

Allele frequency attached by ClinVar (database versions not stated): gnomAD 0.00003; TOPMed 0.00004; ExAC 0.00005; gnomAD exomes 0.00007.
gnomAD v4.1: 23 of 1,609,930 alleles (0.0014%); highest among the groups gnomAD compares: Admixed American, 0.03%; no homozygotes.

Submissions (2):

Labcorp Genetics (formerly Invitae), Labcorp
Classification: Uncertain significance. Last evaluated: 2022-08-23. Review status: criteria provided, single submitter. Criteria: Invitae Variant Classification Sherloc (09022015). Collection method: clinical testing. Allele origin: germline.
Comment: This sequence change replaces serine, which is neutral and polar, with threonine, which is neutral and polar, at codon 4527 of the PCLO protein (p.Ser4527Thr). This variant is present in population databases (rs377297010, gnomAD 0.05%). This variant has not been reported in the literature in individuals affected with PCLO-related conditions. ClinVar contains an entry for this variant (Variation ID: 1375098). Algorithms developed to predict the effect of missense changes on protein structure and function are either unavailable or do not agree on the potential impact of this missense change (SIFT: "Tolerated"; PolyPhen-2: "Not Available"; Align-GVGD: "Class C0"). In summary, the available evidence is currently insufficient to determine the role of this variant in disease. Therefore, it has been classified as a Variant of Uncertain Significance.

Department of Clinical Pathology, School of Medicine, Fujita Health University
Classification: Likely benign for EBV-positive nodal T- and NK-cell lymphoma. Review status: no assertion criteria provided. Collection method: research. Allele origin: unknown. Affected: yes. Not counted in ClinVar's aggregate classification.

NM_033026.6(PCLO):c.13580G>C (p.Ser4527Thr)

Gene: PCLO (piccolo presynaptic cytomatrix protein; minus strand). Cytogenetic location: 7q21.11.
Variant type: single nucleotide variant.
Coding change: c.13580G>C on transcript NM_033026.6 (MANE Select); coding-DNA position 13580, G replaced by C.
Protein change: p.Ser4527Thr; replaces serine 4527 with threonine.
Molecular consequence: missense variant.
Genome position (GRCh38, 1-based): chr7:82,879,411, C>G on the plus strand (G>C on the coding strand, the complement: PCLO is on the minus strand). VCF-style: chr7-82879411-C-G. GRCh37 (hg19) VCF-style: chr7-82508727-C-G.
Other names: c.13580G>C, p.Ser4527Thr (NM_014510.3); short protein forms S4527T.
Identifiers: ClinVar variation 1375098 (VCV001375098.4), dbSNP rs377297010, ClinGen allele CA4319096.